The following is an entry in ClinVar:

ClinVar aggregate classification (germline): Uncertain significance. Review status: criteria provided, multiple submitters, no conflicts (2 of 4 stars). 4 submissions from 4 submitters: Uncertain significance (3). 1 of the submissions does not count toward it. Last evaluated 2025-12-01.

Conditions:
Polycystic kidney disease 4 (PKD4). Also called: PKD3; POLYCYSTIC KIDNEY AND HEPATIC DISEASE 1; POLYCYSTIC KIDNEY DISEASE, INFANTILE, TYPE I; POLYCYSTIC KIDNEY DISEASE 4 WITH OR WITHOUT POLYCYSTIC LIVER DISEASE; Autosomal Recessive Polycystic Kidney Disease – PKHD1. Identifiers: MedGen C4540575, MONDO:0033004, OMIM 263200.
Autosomal recessive polycystic kidney disease (ARPKD). Also called: AR polycystic kidney disease. Identifiers: Orphanet 731, Orphanet 8378, MedGen C0085548, MeSH D017044, MONDO:0009889.

Allele frequency attached by ClinVar (database versions not stated): gnomAD 0.00001; gnomAD exomes 0.00001; TOPMed 0.00002.
gnomAD v4.1: 15 of 1,598,930 alleles (0.00094%); highest among the groups gnomAD compares: East Asian, 0.0067%; no homozygotes.

Submissions (4):

Labcorp Genetics (formerly Invitae), Labcorp
Classification: Uncertain significance for Autosomal recessive polycystic kidney disease. Last evaluated: 2025-12-01. Review status: criteria provided, single submitter. Criteria: Invitae Variant Classification Sherloc (09022015). Collection method: clinical testing. Allele origin: germline.
Comment: This sequence change replaces arginine, which is basic and polar, with histidine, which is basic and polar, at codon 19 of the PKHD1 protein (p.Arg19His). This variant is present in population databases (no rsID available, gnomAD 0.01%). This missense change has been observed in individual(s) with clinical features of polycystic kidney disease (PMID: 25701400). ClinVar contains an entry for this variant (Variation ID: 909294). Invitae Evidence Modeling of protein sequence and biophysical properties (such as structural, functional, and spatial information, amino acid conservation, physicochemical variation, residue mobility, and thermodynamic stability) indicates that this missense variant is not expected to disrupt PKHD1 protein function with a negative predictive value of 95%. In summary, the available evidence is currently insufficient to determine the role of this variant in disease. Therefore, it has been classified as a Variant of Uncertain Significance.

Fulgent Genetics
Classification: Uncertain significance for Polycystic kidney disease 4. Last evaluated: 2021-12-30. Review status: criteria provided, single submitter. Criteria: ACMG Guidelines, 2015. Collection method: clinical testing. Allele origin: unknown.

Illumina Laboratory Services, Illumina
Classification: Uncertain significance for Polycystic kidney disease 4. Last evaluated: 2017-08-22. Review status: criteria provided, single submitter. Criteria: ICSL Variant Classification Criteria 13 December 2019. Collection method: clinical testing. Allele origin: germline.
Comment: This variant was observed as part of a predisposition screen in an ostensibly healthy population. A literature search was performed for the gene, cDNA change, and amino acid change (where applicable). Publications were found based on this search. However, the evidence from the literature, in combination with allele frequency data from public databases where available, was not sufficient to rule this variant in or out of causing disease. Therefore, this variant is classified as a variant of unknown significance.

Natera, Inc.
Classification: Uncertain significance for Autosomal recessive polycystic kidney disease. Last evaluated: 2019-03-14. Review status: no assertion criteria provided. Collection method: clinical testing. Allele origin: germline. Not counted in ClinVar's aggregate classification.

Literature cited by the submitters: PubMed 25701400 (cited by Labcorp Genetics (formerly Invitae), Labcorp and Illumina Laboratory Services, Illumina).

NM_138694.4(PKHD1):c.56G>A (p.Arg19His)

Gene: PKHD1 (PKHD1 ciliary IPT domain containing fibrocystin/polyductin; minus strand). Cytogenetic location: 6p12.2.
Variant type: single nucleotide variant.
Coding change: c.56G>A on transcript NM_138694.4 (MANE Select); coding-DNA position 56, G replaced by A.
Protein change: p.Arg19His; replaces arginine 19 with histidine.
Molecular consequence: missense variant.
Genome position (GRCh38, 1-based): chr6:52,083,252, C>T on the plus strand (G>A on the coding strand, the complement: PKHD1 is on the minus strand). VCF-style: chr6-52083252-C-T. GRCh37 (hg19) VCF-style: chr6-51948050-C-T.
Other names: c.56G>A, p.Arg19His (NM_170724.3); short protein forms R19H.
Identifiers: ClinVar variation 909294 (VCV000909294.13), dbSNP rs1375765328, ClinGen allele CA364441036.